The following is an entry in ClinVar:

NM_017934.7(PHIP):c.4908G>A (p.Lys1636=)

Genes: IRAK1BP1 (interleukin 1 receptor associated kinase 1 binding protein 1; plus strand), PHIP (PHIP subunit of CUL4-Ring ligase complex; minus strand). Cytogenetic location: 6q14.1.
Variant type: single nucleotide variant.
Coding change: c.4908G>A on transcript NM_017934.7 (MANE Select); coding-DNA position 4908, G replaced by A.
Protein change: p.Lys1636=; no amino-acid change (lysine 1636 retained).
Molecular consequence: synonymous variant.
Genome position (GRCh38, 1-based): chr6:78,941,251, C>T on the plus strand (G>A on the coding strand, the complement: PHIP is on the minus strand). VCF-style: chr6-78941251-C-T. GRCh37 (hg19) VCF-style: chr6-79650968-C-T.
Other names: c.4908G>A (NM_017934.6).
Identifiers: ClinVar variation 2873257 (VCV002873257.5), dbSNP rs751431176, ClinGen allele CA3899334.

ClinVar aggregate classification (germline): Likely benign. Review status: criteria provided, single submitter (1 of 4 stars). 2 submissions from 2 submitters: Likely benign (1). 1 of the submissions does not count toward it. Last evaluated 2023-12-20.

Conditions:
PHIP-related disorder. Also called: PHIP-related disorders; PHIP-related condition.

Allele frequency attached by ClinVar (database versions not stated): TOPMed below 0.00001; gnomAD 0.00001; gnomAD exomes 0.00002; ExAC 0.00003.
gnomAD v4.1: 30 of 1,613,566 alleles (0.0019%); highest among the groups gnomAD compares: South Asian, 0.026%; no homozygotes.

Submissions (2):

Labcorp Genetics (formerly Invitae), Labcorp
Classification: Likely benign. Last evaluated: 2023-12-20. Review status: criteria provided, single submitter. Criteria: Invitae Variant Classification Sherloc (09022015). Collection method: clinical testing. Allele origin: germline.

PreventionGenetics, part of Exact Sciences
Classification: Likely benign for PHIP-related condition. Last evaluated: 2023-03-29. Review status: no assertion criteria provided. Collection method: clinical testing. Allele origin: germline. Not counted in ClinVar's aggregate classification.
Comment: This variant is classified as likely benign based on ACMG/AMP sequence variant interpretation guidelines (Richards et al. 2015 PMID: 25741868, with internal and published modifications).